The following is an entry in ClinVar:

ClinVar aggregate classification (germline): Uncertain significance (1 of 4 stars; one submission).

gnomAD v4.1: 1 of 1,613,860 alleles (0.000062%); highest among the groups gnomAD compares: African/African-American, 0.0013%; no homozygotes.

Submission:

CeGaT Center for Human Genetics Tuebingen
Classification: Uncertain significance. Last evaluated: 2026-02-01. Review status: criteria provided, single submitter. Criteria: CeGaT Center For Human Genetics Tuebingen Variant Classification Criteria Version 2. Collection method: clinical testing. Allele origin: germline. Affected: yes. Observed: 1 variant allele.
Comment: CENPE: PM2, BP4

NM_001813.3(CENPE):c.4280C>T (p.Ser1427Phe)

Gene: CENPE (centromere protein E; minus strand). Cytogenetic location: 4q24.
Variant type: single nucleotide variant.
Coding change: c.4280C>T on transcript NM_001813.3 (MANE Select); coding-DNA position 4280, C replaced by T.
Protein change: p.Ser1427Phe; replaces serine 1427 with phenylalanine.
Molecular consequence: missense variant.
Genome position (GRCh38, 1-based): chr4:103,145,962, G>A on the plus strand (C>T on the coding strand, the complement: CENPE is on the minus strand). VCF-style: chr4-103145962-G-A. GRCh37 (hg19) VCF-style: chr4-104067119-G-A.
Other names: c.4205C>T, p.Ser1402Phe (NM_001286734.2); short protein forms S1402F, S1427F.
Identifiers: ClinVar variation 4823262 (VCV004823262.4).